The following is an entry in ClinVar:

NM_006767.4(LZTR1):c.374T>A (p.Val125Asp)

Gene: LZTR1 (leucine zipper like post translational regulator 1; plus strand). Cytogenetic location: 22q11.21.
Variant type: single nucleotide variant.
Coding change: c.374T>A on transcript NM_006767.4 (MANE Select); coding-DNA position 374, T replaced by A.
Protein change: p.Val125Asp; replaces valine 125 with aspartic acid.
Molecular consequence: missense variant.
Genome position (GRCh38, 1-based): chr22:20,987,557, T>A. VCF-style: chr22-20987557-T-A. GRCh37 (hg19) VCF-style: chr22-21341846-T-A.
Other names: short protein forms V125D.
Identifiers: ClinVar variation 3541647 (VCV003541647.1).

ClinVar aggregate classification (germline): Uncertain significance (1 of 4 stars; one submission).

Conditions:
Hereditary cancer-predisposing syndrome. Also called: Hereditary Cancer Syndrome; Hereditary neoplastic syndrome; Tumor predisposition; Neoplastic Syndromes, Hereditary. Identifiers: Orphanet 140162, MedGen C0027672, MeSH D009386, MONDO:0015356.
Cardiovascular phenotype. Identifiers: MedGen CN230736.

Submission:

Ambry Genetics
Classification: Uncertain significance for Cardiovascular phenotype; Hereditary cancer-predisposing syndrome. Last evaluated: 2024-10-13. Review status: criteria provided, single submitter. Criteria: Ambry Variant Classification Scheme 2023. Collection method: clinical testing. Allele origin: germline.
Comment: The p.V125D variant (also known as c.374T>A), located in coding exon 4 of the LZTR1 gene, results from a T to A substitution at nucleotide position 374. The valine at codon 125 is replaced by aspartic acid, an amino acid with highly dissimilar properties. This amino acid position is conserved. In addition, this alteration is predicted to be deleterious by in silico analysis. Based on the available evidence, the clinical significance of this variant remains unclear.